The following is an entry in ClinVar:

NM_000088.4(COL1A1):c.285C>A (p.Cys95Ter)

Gene: COL1A1 (collagen type I alpha 1 chain; minus strand). Cytogenetic location: 17q21.33.
Variant type: single nucleotide variant.
Coding change: c.285C>A on transcript NM_000088.4 (MANE Select); coding-DNA position 285, C replaced by A.
Protein change: p.Cys95Ter; replaces cysteine 95 with a stop codon.
Molecular consequence: nonsense.
Genome position (GRCh38, 1-based): chr17:50,199,766, G>T on the plus strand (C>A on the coding strand, the complement: COL1A1 is on the minus strand). VCF-style: chr17-50199766-G-T. GRCh37 (hg19) VCF-style: chr17-48277127-G-T.
Other names: short protein forms C95*.
Identifiers: ClinVar variation 4057244 (VCV004057244.1).

ClinVar aggregate classification (germline): Likely pathogenic (1 of 4 stars; one submission).

Conditions:
Osteogenesis imperfecta type I (OI1). Also called: Classic Non-deforming Osteogenesis Imperfecta with Blue Sclerae; OI, TYPE I; OSTEOGENESIS IMPERFECTA TARDA; OSTEOGENESIS IMPERFECTA WITH BLUE SCLERAE; Osteogenesis imperfecta type 1; Lobstein's Disease. Identifiers: Orphanet 216796, Orphanet 666, MedGen C0023931, MONDO:0008146, OMIM 166200. Disease mechanism: loss of function.

Submission:

Clinical Biomedical Laboratory, Shriners Hospital For Children - Canada
Classification: Likely pathogenic for Osteogenesis imperfecta type I. Last evaluated: 2025-05-23. Review status: criteria provided, single submitter. Criteria: ACMG Guidelines, 2015. Collection method: clinical testing. Allele origin: germline. Affected: yes.
Comment: A heterozygous change in exon 2 of COL1A1 was detected in the submitted sample. This variant introduces a premature stop codon and is expected to lead to degradation of the affected transcript. Variants predicted to introduce termination codons lead to degradation of the affected transcript and haploinsufficiency of the alpha 1 chain of collagen type I. COL1A1 haploinsufficiency is a typical cause of OI type I. This variant is absent from the Genome Aggregation Database (v2.1.1).